The following is an entry in ClinVar:

NM_001267550.2(TTN):c.11311+2964T>C

Gene: TTN (titin; minus strand). Cytogenetic location: 2q31.2.
Variant type: single nucleotide variant.
Coding change: c.11311+2964T>C on transcript NM_001267550.2 (MANE Select); 2964 bases into the intron after coding-DNA position 11311, T replaced by C.
Molecular consequence: intron variant. On other transcripts: synonymous variant (1).
Genome position (GRCh38, 1-based): chr2:178,750,160, A>G on the plus strand (T>C on the coding strand, the complement: TTN is on the minus strand). VCF-style: chr2-178750160-A-G. GRCh37 (hg19) VCF-style: chr2-179614887-A-G.
Other names: c.12240T>C, p.Asn4080= (NM_133379.5); c.10222+2964T>C (NM_003319.4); c.10798+2964T>C (NM_133437.4); c.10597+2964T>C (NM_133432.3); c.10360+2964T>C (NM_133378.4, NM_001256850.1).
Identifiers: ClinVar variation 4958740 (VCV004958740.2).

ClinVar aggregate classification (germline): Likely benign. Review status: criteria provided, multiple submitters, no conflicts (2 of 4 stars). 2 submissions from 2 submitters: Likely benign (2). Last evaluated 2026-05-12.

Conditions:
TTN-related disorder. Also called: TTN-related disorders; TTN-related condition; TTN-related disease.

gnomAD v4.1: 308 of 1,613,074 alleles (0.019%); highest among the groups gnomAD compares: East Asian, 0.52%; 1 homozygote.

Submissions (2):

PreventionGenetics, part of Exact Sciences
Classification: Likely benign for TTN-related condition. Last evaluated: 2026-05-12. Review status: criteria provided, single submitter. Criteria: ACMG Guidelines, 2015. Collection method: clinical testing. Allele origin: germline.
Comment: This variant is classified as likely benign based on ACMG/AMP sequence variant interpretation guidelines (Richards et al. 2015 PMID: 25741868, with internal and published modifications).

Blueprint Genetics
Classification: Likely benign. Last evaluated: 2024-10-02. Review status: criteria provided, single submitter. Criteria: ACMG Guidelines, 2015. Collection method: clinical testing. Allele origin: germline.